The following is an entry in ClinVar:

ClinVar aggregate classification (germline): Benign/Likely benign. Review status: criteria provided, single submitter (1 of 4 stars). 6 submissions from 1 submitter: Benign (4); Likely benign (2). Last evaluated 2018-01-12.

Conditions:
Retinitis pigmentosa (RP). Identifiers: Orphanet 791, MedGen C0035334, MeSH D012174, MONDO:0019200, OMIM 268000. Inheritance: Autosomal dominant, autosomal recessive and X linked inheritance.
Choroidal dystrophy, central areolar 2 (CACD2). Also called: MACULAR DYSTROPHY, PROGRESSIVE; Choriodal Dystrophy, Central Areolar 2. Identifiers: Orphanet 75377, MedGen C2751290, MONDO:0013137, OMIM 613105.
Pigmentary retinal dystrophy. Also called: Fundus albipunctatus. Identifiers: Orphanet 227796, Orphanet 52427, MedGen C0311338, MONDO:0007639, OMIM 136880, HP:0030642.
Adult-onset foveomacular vitelliform dystrophy. Also called: FOVEOMACULAR DYSTROPHY, ADULT-ONSET; FOVEOMACULAR DYSTROPHY, ADULT-ONSET, WITH OR WITHOUT CHOROIDAL NEOVASCULARIZATION; Adult onset vitelliform dystrophy. Identifiers: Orphanet 99000, MedGen C1842914, MONDO:0011979.
Cone-rod dystrophy. Also called: Cone/cone-rod dystrophy; Cone-rod degeneration. Identifiers: Orphanet 1872, MedGen C4085590, MONDO:0015993, HP:0000548.
Patterned macular dystrophy 1. Also called: BUTTERFLY DYSTROPHY OF RETINAL PIGMENT EPITHELIUM; MACULAR DYSTROPHY, BUTTERFLY-SHAPED PIGMENTARY. Identifiers: Orphanet 99001, MedGen C4551999, MONDO:0008210, OMIM 169150.

Allele frequency attached by ClinVar (database versions not stated): gnomAD 0.01076 and 0.01163; 1000 Genomes Project 30x 0.01093; 1000 Genomes Project 0.01098; TOPMed 0.01219.

Submissions (6):

Illumina Laboratory Services, Illumina
Classification: Likely benign for Patterned macular dystrophy 1. Last evaluated: 2018-01-12. Review status: criteria provided, single submitter. Criteria: ICSL Variant Classification Criteria 13 December 2019. Collection method: clinical testing. Allele origin: germline.
Comment: This variant was observed in the ICSL laboratory as part of a predisposition screen in an ostensibly healthy population. It had not been previously curated by ICSL or reported in the Human Gene Mutation Database (HGMD: prior to June 1st, 2018), and was therefore a candidate for classification through an automated scoring system. Utilizing variant allele frequency, disease prevalence and penetrance estimates, and inheritance mode, an automated score was calculated to assess if this variant is too frequent to cause the disease. Based on the score and internal cut-off values, a variant classified as likely benign is not then subjected to further curation. The score for this variant resulted in a classification of likely benign for this disease.

Illumina Laboratory Services, Illumina
Classification: Likely benign for Pigmentary retinal dystrophy. Last evaluated: 2018-01-12. Review status: criteria provided, single submitter. Criteria: ICSL Variant Classification Criteria 13 December 2019. Collection method: clinical testing. Allele origin: germline.
Comment: the same text as in the submission from Illumina Laboratory Services, Illumina above.

Illumina Laboratory Services, Illumina
Classification: Benign for Choroidal dystrophy, central areolar 2. Last evaluated: 2018-01-12. Review status: criteria provided, single submitter. Criteria: ICSL Variant Classification Criteria 13 December 2019. Collection method: clinical testing. Allele origin: germline.
Comment: This variant was observed in the ICSL laboratory as part of a predisposition screen in an ostensibly healthy population. It had not been previously curated by ICSL or reported in the Human Gene Mutation Database (HGMD: prior to June 1st, 2018), and was therefore a candidate for classification through an automated scoring system. Utilizing variant allele frequency, disease prevalence and penetrance estimates, and inheritance mode, an automated score was calculated to assess if this variant is too frequent to cause the disease. Based on the score and internal cut-off values, a variant classified as benign is not then subjected to further curation. The score for this variant resulted in a classification of benign for this disease.

Illumina Laboratory Services, Illumina
Classification: Benign for Vitelliform macular dystrophy 3. Last evaluated: 2018-01-12. Review status: criteria provided, single submitter. Criteria: ICSL Variant Classification Criteria 13 December 2019. Collection method: clinical testing. Allele origin: germline.
Comment: the same text as in the submission from Illumina Laboratory Services, Illumina above.

Illumina Laboratory Services, Illumina
Classification: Benign for Cone-rod dystrophy. Last evaluated: 2018-01-12. Review status: criteria provided, single submitter. Criteria: ICSL Variant Classification Criteria 13 December 2019. Collection method: clinical testing. Allele origin: germline.
Comment: the same text as in the submission from Illumina Laboratory Services, Illumina above.

Illumina Laboratory Services, Illumina
Classification: Benign for Retinitis pigmentosa. Last evaluated: 2018-01-12. Review status: criteria provided, single submitter. Criteria: ICSL Variant Classification Criteria 13 December 2019. Collection method: clinical testing. Allele origin: germline.
Comment: the same text as in the submission from Illumina Laboratory Services, Illumina above.

NM_000322.5(PRPH2):c.*1230C>T

Gene: PRPH2 (peripherin 2; minus strand). Cytogenetic location: 6p21.1.
Variant type: single nucleotide variant.
Coding change: c.*1230C>T on transcript NM_000322.5 (MANE Select); 1230 bases downstream of the stop codon, C replaced by T.
Molecular consequence: 3 prime UTR variant.
Genome position (GRCh38, 1-based): chr6:42,697,065, G>A on the plus strand (C>T on the coding strand, the complement: PRPH2 is on the minus strand). VCF-style: chr6-42697065-G-A. GRCh37 (hg19) VCF-style: chr6-42664803-G-A.
Identifiers: ClinVar variation 356753 (VCV000356753.5), dbSNP rs79663042, ClinGen allele CA10626869.
Genomic context (GRCh38, chr6:42,697,065, plus strand): 5'-TGGACTGTTCCCTTTCTGGTTTTTGCCTTCTGGCCTCGGTCTCCAGCCAGGTAGGAACGA[G>A]CTCTCTTGAATGTTCATCCAACTGGAGGAATTATGCTGGGCCCTGCCTTGGTCTGGTCAC-3'